The following is an entry in ClinVar:

ClinVar aggregate classification (germline): Uncertain significance. Review status: criteria provided, multiple submitters, no conflicts (2 of 4 stars). 2 submissions from 2 submitters: Uncertain significance (2). Last evaluated 2025-11-03.

Conditions:
Inborn genetic diseases. Identifiers: MedGen C0950123, MeSH D030342.

Allele frequency attached by ClinVar (database versions not stated): gnomAD 0.00001; gnomAD exomes 0.00001; TOPMed 0.00001; ExAC 0.00010.
gnomAD v4.1: 19 of 1,560,328 alleles (0.0012%); highest among the groups gnomAD compares: Middle Eastern, 0.017%; no homozygotes.

Submissions (2):

Ambry Genetics
Classification: Uncertain significance for Inborn genetic diseases. Last evaluated: 2025-11-03. Review status: criteria provided, single submitter. Criteria: Ambry Variant Classification Scheme 2023. Collection method: clinical testing. Allele origin: germline.

Labcorp Genetics (formerly Invitae), Labcorp
Classification: Uncertain significance. Last evaluated: 2022-02-11. Review status: criteria provided, single submitter. Criteria: Invitae Variant Classification Sherloc (09022015). Collection method: clinical testing. Allele origin: germline.
Comment: This variant has not been reported in the literature in individuals affected with COL18A1-related conditions. This sequence change replaces proline, which is neutral and non-polar, with leucine, which is neutral and non-polar, at codon 395 of the COL18A1 protein (p.Pro395Leu). The frequency data for this variant in the population databases is considered unreliable, as metrics indicate poor data quality at this position in the gnomAD database. Experimental studies and prediction algorithms are not available or were not evaluated, and the functional significance of this variant is currently unknown. In summary, the available evidence is currently insufficient to determine the role of this variant in disease. Therefore, it has been classified as a Variant of Uncertain Significance.

NM_001379500.1(COL18A1):c.1184C>T (p.Pro395Leu)

Gene: COL18A1 (collagen type XVIII alpha 1 chain; plus strand). Cytogenetic location: 21q22.3.
Variant type: single nucleotide variant.
Coding change: c.1184C>T on transcript NM_001379500.1 (MANE Select); coding-DNA position 1184, C replaced by T.
Protein change: p.Pro395Leu; replaces proline 395 with leucine.
Molecular consequence: missense variant.
Genome position (GRCh38, 1-based): chr21:45,477,928, C>T. VCF-style: chr21-45477928-C-T. GRCh37 (hg19) VCF-style: chr21-46897842-C-T.
Other names: NM_130445.2:c.1184C>T; c.1724C>T, p.Pro575Leu (NM_030582.4); c.2429C>T, p.Pro810Leu (NM_130444.3); short protein forms P395L, P810L, P575L.
Identifiers: ClinVar variation 1942260 (VCV001942260.6), dbSNP rs758740270, ClinGen allele CA10066092.